The following is an entry in ClinVar:

ClinVar aggregate classification (germline): Uncertain significance (1 of 4 stars; one submission).

gnomAD v4.1: 1 of 1,614,160 alleles (0.000062%); highest among the groups gnomAD compares: Non-Finnish European, 0.000085%; no homozygotes.

Submission:

GeneDx
Classification: Uncertain significance. Last evaluated: 2024-06-26. Review status: criteria provided, single submitter. Criteria: GeneDx Variant Classification Process June 2021. Collection method: clinical testing. Allele origin: germline. Affected: yes.
Comment: Not observed at significant frequency in large population cohorts (gnomAD); In silico analysis supports that this missense variant has a deleterious effect on protein structure/function; Has not been previously published as pathogenic or benign to our knowledge

NM_052867.4(NALCN):c.3611A>G (p.Tyr1204Cys)

Gene: NALCN (sodium leak channel, non-selective; minus strand). Cytogenetic location: 13q32.3.
Variant type: single nucleotide variant.
Coding change: c.3611A>G on transcript NM_052867.4 (MANE Select); coding-DNA position 3611, A replaced by G.
Protein change: p.Tyr1204Cys; replaces tyrosine 1204 with cysteine.
Molecular consequence: missense variant.
Genome position (GRCh38, 1-based): chr13:101,083,171, T>C on the plus strand (A>G on the coding strand, the complement: NALCN is on the minus strand). VCF-style: chr13-101083171-T-C. GRCh37 (hg19) VCF-style: chr13-101735522-T-C.
Other names: c.3698A>G, p.Tyr1233Cys (NM_001350748.2); c.3611A>G, p.Tyr1204Cys (NM_001350749.2); c.3524A>G, p.Tyr1175Cys (NM_001350750.2, NM_001350751.2); short protein forms Y1175C, Y1204C, Y1233C.
Identifiers: ClinVar variation 3392936 (VCV003392936.1).